The following is an entry in ClinVar:

ClinVar aggregate classification (germline): Uncertain significance. Review status: criteria provided, multiple submitters, no conflicts (2 of 4 stars). 4 submissions from 4 submitters: Uncertain significance (4). Last evaluated 2026-08-06.

Conditions:
Hereditary spastic paraplegia 4. Also called: Spastic paraplegia 4, autosomal dominant; Spastic Paraplegia 4; Familial spastic paraplegia autosomal dominant 2. Identifiers: Orphanet 100985, MedGen C1866855, MONDO:0008438, OMIM 182601.

gnomAD v4.1: 1 of 1,602,610 alleles (0.000062%); highest among the groups gnomAD compares: Non-Finnish European, 0.000085%; no homozygotes.

Submissions (4):

OLLIN Analises Genomicas, OLLIN
Classification: Uncertain significance for Hereditary spastic paraplegia 4. Last evaluated: 2026-08-06. Review status: criteria provided, single submitter. Criteria: ACMG Guidelines 2015 PMID 25741868. Collection method: clinical testing. Allele origin: germline. Inheritance: Autosomal dominant inheritance.
Comment: This missense variant, located in exon 1 (of 17), has been reported in ClinVar (accession VCV000593005.9) and in gnomAD with an allele frequency of 0.000062%. However, to our knowledge, it has not been reported in the scientific literature. In silico analysis predicts that this variant has a tolerated effect. According to the currently available evidence, this variant has been classified as uncertain significance (PM2_P, BP4).

Labcorp Genetics (formerly Invitae), Labcorp
Classification: Uncertain significance for Hereditary spastic paraplegia 4. Last evaluated: 2025-12-01. Review status: criteria provided, single submitter. Criteria: Invitae Variant Classification Sherloc (09022015). Collection method: clinical testing. Allele origin: germline.
Comment: This sequence change replaces serine, which is neutral and polar, with proline, which is neutral and non-polar, at codon 93 of the SPAST protein (p.Ser93Pro). This variant is not present in population databases (gnomAD no frequency). This variant has not been reported in the literature in individuals affected with SPAST-related conditions. ClinVar contains an entry for this variant (Variation ID: 593005). Invitae Evidence Modeling of protein sequence and biophysical properties (such as structural, functional, and spatial information, amino acid conservation, physicochemical variation, residue mobility, and thermodynamic stability) indicates that this missense variant is not expected to disrupt SPAST protein function with a negative predictive value of 95%. In summary, the available evidence is currently insufficient to determine the role of this variant in disease. Therefore, it has been classified as a Variant of Uncertain Significance.

AiLife Diagnostics
Classification: Uncertain significance. Last evaluated: 2021-06-27. Review status: criteria provided, single submitter. Criteria: ACMG Guidelines, 2015. Collection method: clinical testing. Allele origin: germline. Affected: yes. Observed: 1 variant allele.

Eurofins Ntd Llc (ga)
Classification: Uncertain significance. Last evaluated: 2017-07-20. Review status: criteria provided, single submitter. Criteria: EGL Classification Definitions 2015. Collection method: clinical testing. Allele origin: germline. Observed: 1 variant allele, 1 heterozygote.

NM_014946.4(SPAST):c.277T>C (p.Ser93Pro)

Gene: SPAST (spastin; plus strand). Cytogenetic location: 2p22.3.
Variant type: single nucleotide variant.
Coding change: c.277T>C on transcript NM_014946.4 (MANE Select); coding-DNA position 277, T replaced by C.
Protein change: p.Ser93Pro; replaces serine 93 with proline.
Molecular consequence: missense variant.
Genome position (GRCh38, 1-based): chr2:32,064,108, T>C. VCF-style: chr2-32064108-T-C. GRCh37 (hg19) VCF-style: chr2-32289177-T-C.
Other names: c.277T>C, p.Ser93Pro (NM_001363823.2, NM_001363875.2, NM_001377959.1 and 1 more transcripts); short protein forms S93P.
Identifiers: ClinVar variation 593005 (VCV000593005.10), dbSNP rs1156801351, ClinGen allele CA346602082.
Genomic context (GRCh38, chr2:32,064,108, plus strand): 5'-CTCCTCTTCGTGTGGCTCTGCCAGCGCTTCTCCCGCGCCCTCATGGCAGCCAAGAGGAGC[T>C]CCGGGGCCGCGCCAGCACCTGCCTCGGCCTCGGCCCCGGCGCCGGTGCCGGGCGGCGAGG-3'
Protein context (NP_055761.2, residues 83-103): SRALMAAKRS[Ser93Pro]GAAPAPASAS